The following is an entry in ClinVar:

ClinVar aggregate classification (germline): Uncertain significance. Review status: criteria provided, multiple submitters, no conflicts (2 of 4 stars). 3 submissions from 3 submitters: Uncertain significance (3). Last evaluated 2026-07-01.

Allele frequency attached by ClinVar (database versions not stated): gnomAD 0.00001; gnomAD exomes 0.00001; TOPMed 0.00001.
gnomAD v4.1: 10 of 1,566,854 alleles (0.00064%); highest among the groups gnomAD compares: Admixed American, 0.0038%; no homozygotes.

Submissions (3):

CeGaT Center for Human Genetics Tuebingen
Classification: Uncertain significance. Last evaluated: 2026-07-01. Review status: criteria provided, single submitter. Criteria: CeGaT Center For Human Genetics Tuebingen Variant Classification Criteria Version 2. Collection method: clinical testing. Allele origin: germline. Affected: yes. Observed: 1 variant allele.

Mayo Clinic Laboratories, Mayo Clinic
Classification: Uncertain significance. Last evaluated: 2022-11-02. Review status: criteria provided, single submitter. Criteria: ACMG Guidelines, 2015. Collection method: clinical testing. Allele origin: germline. Observed: 1 variant allele.
Comment: BP1, PP2, PP4, PM2

Athena Diagnostics
Classification: Uncertain significance. Last evaluated: 2021-11-04. Review status: criteria provided, single submitter. Criteria: Athena Diagnostics Criteria. Collection method: clinical testing. Allele origin: unknown.

Literature cited by the submitters: PubMed 34851492 (cited by Mayo Clinic Laboratories, Mayo Clinic).

NM_000435.3(NOTCH3):c.2660A>C (p.Asp887Ala)

Gene: NOTCH3 (notch receptor 3; minus strand). Cytogenetic location: 19p13.12.
Variant type: single nucleotide variant.
Coding change: c.2660A>C on transcript NM_000435.3 (MANE Select); coding-DNA position 2660, A replaced by C.
Protein change: p.Asp887Ala; replaces aspartic acid 887 with alanine.
Molecular consequence: missense variant.
Genome position (GRCh38, 1-based): chr19:15,181,708, T>G on the plus strand (A>C on the coding strand, the complement: NOTCH3 is on the minus strand). VCF-style: chr19-15181708-T-G. GRCh37 (hg19) VCF-style: chr19-15292519-T-G.
Other names: p.Asp887Ala; short protein forms D887A.
Identifiers: ClinVar variation 1807372 (VCV001807372.3), dbSNP rs2046843575, ClinGen allele CA404517383.
Genomic context (GRCh38, chr19:15,181,708, plus strand): 5'-GAGGCCACGTGGTCGGTACAGGTGCCCGGGCCGCAGGGGTTGCTCAGGCACTCATCCACA[T>G]CGCGGGCGCATCGTGGGCCGGCGAAACCAGGGAGGCAGGAGCAGGAAAAGGAGCCCACGC-3'
Protein context (NP_000426.2, residues 877-897): PGFAGPRCAR[Asp887Ala]VDECLSNPCG